The following is an entry in ClinVar:

NM_004168.4(SDHA):c.494A>T (p.Asp165Val)

Gene: SDHA (succinate dehydrogenase complex flavoprotein subunit A; plus strand). Cytogenetic location: 5p15.33.
Variant type: single nucleotide variant.
Coding change: c.494A>T on transcript NM_004168.4 (MANE Select); coding-DNA position 494, A replaced by T.
Protein change: p.Asp165Val; replaces aspartic acid 165 with valine.
Molecular consequence: missense variant.
Genome position (GRCh38, 1-based): chr5:225,920, A>T. VCF-style: chr5-225920-A-T. GRCh37 (hg19) VCF-style: chr5-226035-A-T.
Other names: c.494A>T (NM_004168.2); c.350A>T, p.Asp117Val (NM_001294332.2); c.494A>T, p.Asp165Val (NM_001330758.2); short protein forms D165V, D117V.
Identifiers: ClinVar variation 2040123 (VCV002040123.5), dbSNP rs1734989377, ClinGen allele CA359010027.

ClinVar aggregate classification (germline): Uncertain significance. Review status: criteria provided, multiple submitters, no conflicts (2 of 4 stars). 2 submissions from 2 submitters: Uncertain significance (2). Last evaluated 2025-03-04.

Conditions:
Pheochromocytoma/paraganglioma syndrome 5. Also called: Paragangliomas 5; SDHA-Related Hereditary Paraganglioma-Pheochromocytoma Syndrome. Identifiers: Orphanet 29072, MedGen C3279992, MONDO:0013602, OMIM 614165.
Mitochondrial complex II deficiency, nuclear type 1. Also called: SUCCINATE CoQ REDUCTASE DEFICIENCY. Identifiers: Orphanet 3208, MedGen C5700310, MONDO:0100294, OMIM 252011.
Hereditary cancer-predisposing syndrome. Also called: Hereditary Cancer Syndrome; Hereditary neoplastic syndrome; Neoplastic Syndromes, Hereditary; Tumor predisposition. Identifiers: Orphanet 140162, MedGen C0027672, MeSH D009386, MONDO:0015356.

Submissions (2):

Ambry Genetics
Classification: Uncertain significance for Hereditary cancer-predisposing syndrome. Last evaluated: 2025-03-04. Review status: criteria provided, single submitter. Criteria: Ambry Variant Classification Scheme 2023. Collection method: clinical testing. Allele origin: germline.
Comment: The p.D165V variant (also known as c.494A>T), located in coding exon 5 of the SDHA gene, results from an A to T substitution at nucleotide position 494. The aspartic acid at codon 165 is replaced by valine, an amino acid with highly dissimilar properties. This amino acid position is not well conserved in available vertebrate species. In addition, the in silico prediction for this alteration is inconclusive. Based on the available evidence, the clinical significance of this variant remains unclear.

Labcorp Genetics (formerly Invitae), Labcorp
Classification: Uncertain significance for Pheochromocytoma/paraganglioma syndrome 5; Mitochondrial complex II deficiency, nuclear type 1. Last evaluated: 2024-06-13. Review status: criteria provided, single submitter. Criteria: Invitae Variant Classification Sherloc (09022015). Collection method: clinical testing. Allele origin: germline.
Comment: This sequence change replaces aspartic acid, which is acidic and polar, with valine, which is neutral and non-polar, at codon 165 of the SDHA protein (p.Asp165Val). This variant is not present in population databases (gnomAD no frequency). This variant has not been reported in the literature in individuals affected with SDHA-related conditions. ClinVar contains an entry for this variant (Variation ID: 2040123). Advanced modeling of protein sequence and biophysical properties (such as structural, functional, and spatial information, amino acid conservation, physicochemical variation, residue mobility, and thermodynamic stability) performed at Invitae indicates that this missense variant is not expected to disrupt SDHA protein function with a negative predictive value of 95%. In summary, the available evidence is currently insufficient to determine the role of this variant in disease. Therefore, it has been classified as a Variant of Uncertain Significance.